The following is an entry in ClinVar:

NM_152618.3(BBS12):c.516A>C (p.Glu172Asp)

Gene: BBS12 (Bardet-Biedl syndrome 12; plus strand). Cytogenetic location: 4q27.
Variant type: single nucleotide variant.
Coding change: c.516A>C on transcript NM_152618.3 (MANE Select); coding-DNA position 516, A replaced by C.
Protein change: p.Glu172Asp; replaces glutamic acid 172 with aspartic acid.
Molecular consequence: missense variant.
Genome position (GRCh38, 1-based): chr4:122,742,408, A>C. VCF-style: chr4-122742408-A-C. GRCh37 (hg19) VCF-style: chr4-123663563-A-C.
Other names: c.516A>C, p.Glu172Asp (NM_001178007.2); short protein forms E172D.
Identifiers: ClinVar variation 4996882 (VCV004996882.1).
Genomic context (GRCh38, chr4:122,742,408, plus strand): 5'-ATTTAGTGTAAGTTTGTGTCCTTTTCTACAGGTCCCTTCAGATACTGATTTGATAGAGGA[A>C]TTGCATGGTCTCAAAGATGTTGCCTCTCAAACACTGACCATTTCCAACCTTTCTGGGAGA-3'
Protein context (NP_689831.2, residues 162-182): QVPSDTDLIE[Glu172Asp]LHGLKDVASQ

ClinVar aggregate classification (germline): Uncertain significance (1 of 4 stars; one submission).

Conditions:
BBS12-related disorder. Also called: BBS12-related condition.

Submission:

PreventionGenetics, part of Exact Sciences
Classification: Uncertain significance for BBS12-related condition. Last evaluated: 2024-12-13. Review status: criteria provided, single submitter. Criteria: ACMG Guidelines, 2015. Collection method: clinical testing. Allele origin: germline.
Comment: The BBS12 c.516A>C variant is predicted to result in the amino acid substitution p.Glu172Asp. To our knowledge, this variant has not been reported in the literature or in a large population database (gnomAD), indicating this variant is rare. At this time, the clinical significance of this variant is uncertain due to the absence of conclusive functional and genetic evidence.